The following is an entry in ClinVar:

ClinVar aggregate classification (germline): Benign/Likely benign. Review status: criteria provided, multiple submitters, no conflicts (2 of 4 stars). 3 submissions from 3 submitters: Benign (2); Likely benign (1). Last evaluated 2025-10-24.

Conditions:
Autosomal dominant cerebellar ataxia. Also called: Spinocerebellar Ataxia, Dominant. Identifiers: Orphanet 99, MedGen C4087347, MONDO:0020380.

Allele frequency attached by ClinVar (database versions not stated): gnomAD 0.00003 and 0.00042; TOPMed 0.00007; ESP Exome Variant Server 0.00008; gnomAD exomes 0.00066 and 0.00143; ExAC 0.00199; 1000 Genomes Project 30x 0.00328; 1000 Genomes Project 0.00339.
gnomAD v4.1: 1,027 of 1,593,976 alleles (0.064%); highest among the groups gnomAD compares: South Asian, 1.1%; 14 homozygotes.

Submissions (3):

Labcorp Genetics (formerly Invitae), Labcorp
Classification: Benign. Last evaluated: 2025-10-24. Review status: criteria provided, single submitter. Criteria: Invitae Variant Classification Sherloc (09022015). Collection method: clinical testing. Allele origin: germline.

GeneDx
Classification: Likely benign. Last evaluated: 2020-08-24. Review status: criteria provided, single submitter. Criteria: GeneDx Variant Classification Process June 2021. Collection method: clinical testing. Allele origin: germline. Affected: yes.

Illumina Laboratory Services, Illumina
Classification: Benign for Spinocerebellar Ataxia, Dominant. Last evaluated: 2018-01-12. Review status: criteria provided, single submitter. Criteria: ICSL Variant Classification Criteria 13 December 2019. Collection method: clinical testing. Allele origin: germline.
Comment: This variant was observed in the ICSL laboratory as part of a predisposition screen in an ostensibly healthy population. It had not been previously curated by ICSL or reported in the Human Gene Mutation Database (HGMD: prior to June 1st, 2018), and was therefore a candidate for classification through an automated scoring system. Utilizing variant allele frequency, disease prevalence and penetrance estimates, and inheritance mode, an automated score was calculated to assess if this variant is too frequent to cause the disease. Based on the score and internal cut-off values, a variant classified as benign is not then subjected to further curation. The score for this variant resulted in a classification of benign for this disease.

NM_001378452.1(ITPR1):c.625-14A>T

Gene: ITPR1 (inositol 1,4,5-trisphosphate receptor type 1; plus strand). Cytogenetic location: 3p26.1.
Variant type: single nucleotide variant.
Coding change: c.625-14A>T on transcript NM_001378452.1 (MANE Select); 14 bases into the intron before coding-DNA position 625, A replaced by T.
Molecular consequence: intron variant.
Genome position (GRCh38, 1-based): chr3:4,645,373, A>T. VCF-style: chr3-4645373-A-T. GRCh37 (hg19) VCF-style: chr3-4687057-A-T.
Other names: c.625-14A>T (NM_001099952.4, NM_001168272.2, NM_002222.7).
Identifiers: ClinVar variation 345565 (VCV000345565.15), dbSNP rs368114873, ClinGen allele CA2230911.
Genomic context (GRCh38, chr3:4,645,373, plus strand): 5'-TGAGAAGTCTGGGGGCTGGATGACACAGTTGTTGTGAGGGGTACGTGAAAAAATAACTCG[A>T]ATCTGTGTTTCAGGTCAATTCCGTCAACTGCAATACAAGCTGGAAAATAGTCCTTTTCAT-3'